The following is an entry in ClinVar:

ClinVar aggregate classification (germline): Uncertain significance (0 of 4 stars; one submission).

Conditions:
TRMU-related disorder. Also called: TRMU-related condition.

gnomAD v4.1: 8 of 1,557,456 alleles (0.00051%); highest among the groups gnomAD compares: Admixed American, 0.0057%; no homozygotes.

Submission:

PreventionGenetics, part of Exact Sciences
Classification: Uncertain significance for TRMU-related condition. Last evaluated: 2024-05-01. Review status: no assertion criteria provided. Collection method: clinical testing. Allele origin: germline.
Comment: The TRMU c.20T>C variant is predicted to result in the amino acid substitution p.Val7Ala. To our knowledge, this variant has not been reported in the literature or in a large population database, indicating this variant is rare. At this time, the clinical significance of this variant is uncertain due to the absence of conclusive functional and genetic evidence.

NM_018006.5(TRMU):c.20T>C (p.Val7Ala)

Gene: TRMU (tRNA mitochondrial 2-thiouridylase; plus strand). Cytogenetic location: 22q13.31.
Variant type: single nucleotide variant.
Coding change: c.20T>C on transcript NM_018006.5 (MANE Select); coding-DNA position 20, T replaced by C.
Protein change: p.Val7Ala; replaces valine 7 with alanine.
Molecular consequence: missense variant. On other transcripts: 5 prime UTR variant (3), non-coding transcript variant (2).
Genome position (GRCh38, 1-based): chr22:46,335,784, T>C. VCF-style: chr22-46335784-T-C. GRCh37 (hg19) VCF-style: chr22-46731681-T-C.
Other names: c.-216T>C (NM_001282782.2); c.-235T>C (NM_001282783.2, NM_001282784.2); c.20T>C, p.Val7Ala (NM_001282785.2); short protein forms V7A.
Identifiers: ClinVar variation 3353320 (VCV003353320.1).